The following is an entry in ClinVar:

NM_173551.5(ANKS6):c.399C>T (p.His133=)

Gene: ANKS6 (ankyrin repeat and sterile alpha motif domain containing 6; minus strand). Cytogenetic location: 9q22.33.
Variant type: single nucleotide variant.
Coding change: c.399C>T on transcript NM_173551.5 (MANE Select); coding-DNA position 399, C replaced by T.
Protein change: p.His133=; no amino-acid change (histidine 133 retained).
Molecular consequence: synonymous variant.
Genome position (GRCh38, 1-based): chr9:98,790,567, G>A on the plus strand (C>T on the coding strand, the complement: ANKS6 is on the minus strand). VCF-style: chr9-98790567-G-A. GRCh37 (hg19) VCF-style: chr9-101552849-G-A.
Other names: c.399C>T (NM_173551.4).
Identifiers: ClinVar variation 2828394 (VCV002828394.4), dbSNP rs758105673, ClinGen allele CA5153858.

ClinVar aggregate classification (germline): Likely benign. Review status: criteria provided, multiple submitters, no conflicts (2 of 4 stars). 2 submissions from 2 submitters: Likely benign (2). Last evaluated 2025-12-30.

Conditions:
ANKS6-related disorder. Also called: ANKS6-related condition.
Nephronophthisis 16 (NPHP16). Identifiers: Orphanet 655, MedGen C3809320, MONDO:0014158, OMIM 615382.

Allele frequency attached by ClinVar (database versions not stated): gnomAD 0.00002; TOPMed 0.00003; ExAC 0.00005.
gnomAD v4.1: 32 of 1,609,848 alleles (0.002%); highest among the groups gnomAD compares: East Asian, 0.0067%; no homozygotes.

Submissions (2):

PreventionGenetics, part of Exact Sciences
Classification: Likely benign for ANKS6-related condition. Last evaluated: 2025-12-30. Review status: criteria provided, single submitter. Criteria: ACMG Guidelines, 2015. Collection method: clinical testing. Allele origin: germline.
Comment: This variant is classified as likely benign based on ACMG/AMP sequence variant interpretation guidelines (Richards et al. 2015 PMID: 25741868, with internal and published modifications).

Labcorp Genetics (formerly Invitae), Labcorp
Classification: Likely benign for Nephronophthisis 16. Last evaluated: 2025-09-17. Review status: criteria provided, single submitter. Criteria: Invitae Variant Classification Sherloc (09022015). Collection method: clinical testing. Allele origin: germline.